The following is an entry in ClinVar:

ClinVar aggregate classification (germline): Uncertain significance (1 of 4 stars; one submission).

Submission:

Labcorp Genetics (formerly Invitae), Labcorp
Classification: Uncertain significance. Last evaluated: 2022-10-13. Review status: criteria provided, single submitter. Criteria: Invitae Variant Classification Sherloc (09022015). Collection method: clinical testing. Allele origin: germline.
Comment: In summary, the available evidence is currently insufficient to determine the role of this variant in disease. Therefore, it has been classified as a Variant of Uncertain Significance. Algorithms developed to predict the effect of missense changes on protein structure and function are either unavailable or do not agree on the potential impact of this missense change (SIFT: "Deleterious"; PolyPhen-2: "Possibly Damaging"; Align-GVGD: "Class C0"). This variant has not been reported in the literature in individuals affected with WHRN-related conditions. This variant is not present in population databases (gnomAD no frequency). This sequence change replaces valine, which is neutral and non-polar, with methionine, which is neutral and non-polar, at codon 479 of the WHRN protein (p.Val479Met).

NM_015404.4(WHRN):c.1435G>A (p.Val479Met)

Gene: WHRN (whirlin; minus strand). Cytogenetic location: 9q32.
Variant type: single nucleotide variant.
Coding change: c.1435G>A on transcript NM_015404.4 (MANE Select); coding-DNA position 1435, G replaced by A.
Protein change: p.Val479Met; replaces valine 479 with methionine.
Molecular consequence: missense variant.
Genome position (GRCh38, 1-based): chr9:114,423,505, C>T on the plus strand (G>A on the coding strand, the complement: WHRN is on the minus strand). VCF-style: chr9-114423505-C-T. GRCh37 (hg19) VCF-style: chr9-117185785-C-T.
Other names: c.286G>A, p.Val96Met (NM_001083885.3); c.1435G>A, p.Val479Met (NM_001173425.2); c.382G>A, p.Val128Met (NM_001346890.1); short protein forms V96M, V479M, V128M.
Identifiers: ClinVar variation 1997760 (VCV001997760.4), dbSNP rs2491767731, ClinGen allele CA374607668.